The following is an entry in ClinVar:

NM_003072.5(SMARCA4):c.4491C>T (p.Tyr1497=)

Gene: SMARCA4 (SWI/SNF related BAF chromatin remodeling complex subunit ATPase 4; plus strand). Cytogenetic location: 19p13.2.
Variant type: single nucleotide variant.
Coding change: c.4491C>T on transcript NM_003072.5 (MANE Select); coding-DNA position 4491, C replaced by T.
Protein change: p.Tyr1497=; no amino-acid change (tyrosine 1497 retained).
Molecular consequence: synonymous variant. On other transcripts: non-coding transcript variant (1).
Genome position (GRCh38, 1-based): chr19:11,058,321, C>T. VCF-style: chr19-11058321-C-T. GRCh37 (hg19) VCF-style: chr19-11168997-C-T.
Other names: c.4491C>T, p.Tyr1497= (NM_001128844.3); c.4401C>T, p.Tyr1467= (NM_001128845.2); c.4398C>T, p.Tyr1466= (NM_001128846.2); c.4392C>T, p.Tyr1464= (NM_001128847.4, NM_001374457.1); c.4389C>T, p.Tyr1463= (NM_001128848.2); c.4587C>T, p.Tyr1529= (NM_001128849.3, NM_001387283.1).
Identifiers: ClinVar variation 470403 (VCV000470403.19), dbSNP rs755142737, ClinGen allele CA9204758.
Genomic context (GRCh38, chr19:11,058,321, plus strand): 5'-TGGACGTCAGCTCAGCGAGGTCTTCATCCAGCTGCCCTCGCGAAAGGAGCTGCCCGAGTA[C>T]TACGAGCTCATCCGCAAGCCCGTGGACTTCAAGAAGATAAAGGTAACCCTGACGTTGTAC-3'
Protein context (NP_003063.2, residues 1487-1507): QLPSRKELPE[Tyr1497=]YELIRKPVDF

ClinVar aggregate classification (germline): Benign/Likely benign. Review status: criteria provided, multiple submitters, no conflicts (2 of 4 stars). 5 submissions from 5 submitters: Benign (1); Likely benign (3). 1 of the submissions does not count toward it. Last evaluated 2026-07-22.

Conditions:
Hereditary cancer-predisposing syndrome. Also called: Tumor predisposition; Neoplastic Syndromes, Hereditary; Hereditary Cancer Syndrome; Hereditary neoplastic syndrome. Identifiers: Orphanet 140162, MedGen C0027672, MeSH D009386, MONDO:0015356.
Rhabdoid tumor predisposition syndrome 2 (RTPS2). Identifiers: Orphanet 231108, Orphanet 69077, MedGen C2750074, MONDO:0013224, OMIM 613325.

Allele frequency attached by ClinVar (database versions not stated): gnomAD exomes 0.00001 and 0.00002; gnomAD 0.00003 and 0.00004; ExAC 0.00002; TOPMed 0.00002.
gnomAD v4.1: 43 of 1,613,464 alleles (0.0027%); highest among the groups gnomAD compares: Non-Finnish European, 0.0031%; no homozygotes.

Submissions (5):

Myriad Genetics, Inc.
Classification: Benign for Rhabdoid tumor predisposition syndrome 2. Last evaluated: 2026-07-22. Review status: criteria provided, single submitter. Criteria: Myriad Autosomal Dominant, Autosomal Recessive and X-Linked Classification Criteria (2023). Collection method: clinical testing. Allele origin: unknown.
Comment: This variant is considered benign. This variant is a silent/synonymous amino acid change and it is not expected to impact splicing.

Labcorp Genetics (formerly Invitae), Labcorp
Classification: Likely benign for Rhabdoid tumor predisposition syndrome 2. Last evaluated: 2025-12-15. Review status: criteria provided, single submitter. Criteria: Invitae Variant Classification Sherloc (09022015). Collection method: clinical testing. Allele origin: germline.

Quest Diagnostics Nichols Institute San Juan Capistrano
Classification: Likely benign. Last evaluated: 2025-01-23. Review status: criteria provided, single submitter. Criteria: Quest Diagnostics criteria. Collection method: clinical testing. Allele origin: unknown.

Ambry Genetics
Classification: Likely benign for Hereditary cancer-predisposing syndrome. Last evaluated: 2015-07-26. Review status: criteria provided, single submitter. Criteria: Ambry Variant Classification Scheme 2023. Collection method: clinical testing. Allele origin: germline.

Genetic Services Laboratory, University of Chicago
Classification: Likely benign. Last evaluated: 2022-08-01. Review status: no assertion criteria provided. Collection method: clinical testing. Allele origin: germline. Affected: no. Not counted in ClinVar's aggregate classification.